The following is an entry in ClinVar:

ClinVar aggregate classification (germline): Uncertain significance (1 of 4 stars; one submission).

Allele frequency attached by ClinVar (database versions not stated): gnomAD 0.00001 and 0.00004; TOPMed 0.00002; gnomAD exomes 0.00004 and 0.00007; ExAC 0.00009; 1000 Genomes Project 0.00040; 1000 Genomes Project 30x 0.00047.
gnomAD v4.1: 62 of 1,608,666 alleles (0.0039%); highest among the groups gnomAD compares: South Asian, 0.046%; no homozygotes.

Submission:

Labcorp Genetics (formerly Invitae), Labcorp
Classification: Uncertain significance. Last evaluated: 2023-07-07. Review status: criteria provided, single submitter. Criteria: Invitae Variant Classification Sherloc (09022015). Collection method: clinical testing. Allele origin: germline.
Comment: This sequence change replaces alanine, which is neutral and non-polar, with threonine, which is neutral and polar, at codon 2648 of the HTT protein (p.Ala2648Thr). This variant is present in population databases (rs555039658, gnomAD 0.05%). This variant has not been reported in the literature in individuals affected with HTT-related conditions. ClinVar contains an entry for this variant (Variation ID: 1443501). Experimental studies and prediction algorithms are not available or were not evaluated, and the functional significance of this variant is currently unknown. In summary, the available evidence is currently insufficient to determine the role of this variant in disease. Therefore, it has been classified as a Variant of Uncertain Significance.

NM_001388492.1(HTT):c.7936G>A (p.Ala2646Thr)

Gene: HTT (huntingtin; plus strand). Cytogenetic location: 4p16.3.
Variant type: single nucleotide variant.
Coding change: c.7936G>A on transcript NM_001388492.1 (MANE Select); coding-DNA position 7936, G replaced by A.
Protein change: p.Ala2646Thr; replaces alanine 2646 with threonine.
Molecular consequence: missense variant.
Genome position (GRCh38, 1-based): chr4:3,228,702, G>A. VCF-style: chr4-3228702-G-A. GRCh37 (hg19) VCF-style: chr4-3230429-G-A.
Other names: c.7942G>A, p.Ala2648Thr (NM_002111.8); short protein forms A2646T, A2648T.
Identifiers: ClinVar variation 1443501 (VCV001443501.6), dbSNP rs555039658, ClinGen allele CA2825538.